The following is an entry in ClinVar:

NM_006231.4(POLE):c.6166G>T (p.Ala2056Ser)

Gene: POLE (DNA polymerase epsilon, catalytic subunit; minus strand). Cytogenetic location: 12q24.33.
Variant type: single nucleotide variant.
Coding change: c.6166G>T on transcript NM_006231.4 (MANE Select); coding-DNA position 6166, G replaced by T.
Protein change: p.Ala2056Ser; replaces alanine 2056 with serine.
Molecular consequence: missense variant.
Genome position (GRCh38, 1-based): chr12:132,632,479, C>A on the plus strand (G>T on the coding strand, the complement: POLE is on the minus strand). VCF-style: chr12-132632479-C-A. GRCh37 (hg19) VCF-style: chr12-133209065-C-A.
Other names: c.6166G>T (NM_006231.2); short protein forms A2056S.
Identifiers: ClinVar variation 581199 (VCV000581199.12), dbSNP rs58916399, ClinGen allele CA387369943.

ClinVar aggregate classification (germline): Uncertain significance. Review status: criteria provided, multiple submitters, no conflicts (2 of 4 stars). 2 submissions from 2 submitters: Uncertain significance (2). Last evaluated 2025-05-23.

Conditions:
Hereditary cancer-predisposing syndrome. Also called: Neoplastic Syndromes, Hereditary; Tumor predisposition; Hereditary neoplastic syndrome; Hereditary Cancer Syndrome. Identifiers: Orphanet 140162, MedGen C0027672, MeSH D009386, MONDO:0015356.

Submissions (2):

Ambry Genetics
Classification: Uncertain significance for Hereditary cancer-predisposing syndrome. Last evaluated: 2025-05-23. Review status: criteria provided, single submitter. Criteria: Ambry Variant Classification Scheme 2023. Collection method: clinical testing. Allele origin: germline.
Comment: The p.A2056S variant (also known as c.6166G>T), located in coding exon 45 of the POLE gene, results from a G to T substitution at nucleotide position 6166. The alanine at codon 2056 is replaced by serine, an amino acid with similar properties. This amino acid position is conserved. In addition, this alteration is predicted to be tolerated by in silico analysis. Based on the available evidence, the clinical significance of this variant remains unclear.

Labcorp Genetics (formerly Invitae), Labcorp
Classification: Uncertain significance. Last evaluated: 2025-05-19. Review status: criteria provided, single submitter. Criteria: Invitae Variant Classification Sherloc (09022015). Collection method: clinical testing. Allele origin: germline.
Comment: This sequence change replaces alanine, which is neutral and non-polar, with serine, which is neutral and polar, at codon 2056 of the POLE protein (p.Ala2056Ser). This variant is not present in population databases (gnomAD no frequency). This variant has not been reported in the literature in individuals affected with POLE-related conditions. ClinVar contains an entry for this variant (Variation ID: 581199). Invitae Evidence Modeling of protein sequence and biophysical properties (such as structural, functional, and spatial information, amino acid conservation, physicochemical variation, residue mobility, and thermodynamic stability) indicates that this missense variant is not expected to disrupt POLE protein function with a negative predictive value of 80%. In summary, the available evidence is currently insufficient to determine the role of this variant in disease. Therefore, it has been classified as a Variant of Uncertain Significance.